The following is an entry in ClinVar:

NM_177438.3(DICER1):c.2229G>A (p.Thr743=)

Gene: DICER1 (dicer 1, ribonuclease III; minus strand). Cytogenetic location: 14q32.13.
Variant type: single nucleotide variant.
Coding change: c.2229G>A on transcript NM_177438.3 (MANE Select); coding-DNA position 2229, G replaced by A.
Protein change: p.Thr743=; no amino-acid change (threonine 743 retained).
Molecular consequence: synonymous variant.
Genome position (GRCh38, 1-based): chr14:95,111,344, C>T on the plus strand (G>A on the coding strand, the complement: DICER1 is on the minus strand). VCF-style: chr14-95111344-C-T. GRCh37 (hg19) VCF-style: chr14-95577681-C-T.
Other names: c.2229G>A, p.Thr743= (NM_001195573.1, NM_001271282.3, NM_001291628.2 and 1 more transcripts).
Identifiers: ClinVar variation 417049 (VCV000417049.22), dbSNP rs753276132, ClinGen allele CA7331287.

ClinVar aggregate classification (germline): Benign/Likely benign. Review status: criteria provided, multiple submitters, no conflicts (2 of 4 stars). 6 submissions from 6 submitters: Benign (1); Likely benign (4). 1 of the submissions does not count toward it. Last evaluated 2026-04-16.

Conditions:
DICER1-related disorder. Also called: DICER1-related condition.
Hereditary cancer-predisposing syndrome. Also called: Tumor predisposition; Hereditary Cancer Syndrome; Hereditary neoplastic syndrome; Neoplastic Syndromes, Hereditary. Identifiers: Orphanet 140162, MedGen C0027672, MeSH D009386, MONDO:0015356.
DICER1-related tumor predisposition. Also called: DICER1-related pleuropulmonary blastoma cancer predisposition syndrome; DICER1 syndrome. Identifiers: Orphanet 284343, MedGen C3839822, MONDO:0100216.

Allele frequency attached by ClinVar (database versions not stated): gnomAD 0.00001; gnomAD exomes 0.00001; ExAC 0.00002; TOPMed 0.00002.
gnomAD v4.1: 26 of 1,614,064 alleles (0.0016%); highest among the groups gnomAD compares: Non-Finnish European, 0.002%; no homozygotes.

Submissions (6):

Myriad Genetics, Inc.
Classification: Benign for DICER1-related tumor predisposition. Last evaluated: 2026-04-16. Review status: criteria provided, single submitter. Criteria: Myriad Autosomal Dominant, Autosomal Recessive and X-Linked Classification Criteria (2023). Collection method: clinical testing. Allele origin: unknown.
Comment: This variant is considered benign. This variant is a silent/synonymous amino acid change and it is not expected to impact splicing.

Labcorp Genetics (formerly Invitae), Labcorp
Classification: Likely benign for DICER1-related tumor predisposition. Last evaluated: 2026-01-25. Review status: criteria provided, single submitter. Criteria: Invitae Variant Classification Sherloc (09022015). Collection method: clinical testing. Allele origin: germline.

Blueprint Genetics
Classification: Likely benign. Last evaluated: 2024-03-19. Review status: criteria provided, single submitter. Criteria: ACMG Guidelines, 2015. Collection method: clinical testing. Allele origin: germline.

Quest Diagnostics Nichols Institute San Juan Capistrano
Classification: Likely benign. Last evaluated: 2021-08-27. Review status: criteria provided, single submitter. Criteria: Quest Diagnostics criteria. Collection method: clinical testing. Allele origin: unknown.

Ambry Genetics
Classification: Likely benign for Hereditary cancer-predisposing syndrome. Last evaluated: 2018-09-20. Review status: criteria provided, single submitter. Criteria: Ambry Variant Classification Scheme 2023. Collection method: clinical testing. Allele origin: germline.

PreventionGenetics, part of Exact Sciences
Classification: Likely benign for DICER1-related condition. Last evaluated: 2019-05-06. Review status: no assertion criteria provided. Collection method: clinical testing. Allele origin: germline. Not counted in ClinVar's aggregate classification.
Comment: This variant is classified as likely benign based on ACMG/AMP sequence variant interpretation guidelines (Richards et al. 2015 PMID: 25741868, with internal and published modifications).